The following is an entry in ClinVar:

ClinVar aggregate classification (germline): Pathogenic (1 of 4 stars; one submission).

Conditions:
Epilepsy. Also called: Seizure disorder. Identifiers: MedGen C0014544, MeSH D004827, MONDO:0005027.

gnomAD v4.1: 3 of 1,610,866 alleles (0.00019%); highest among the groups gnomAD compares: African/African-American, 0.0027%; no homozygotes.

Submission:

Labcorp Genetics (formerly Invitae), Labcorp
Classification: Pathogenic for Epilepsy. Last evaluated: 2024-04-18. Review status: criteria provided, single submitter. Criteria: Invitae Variant Classification Sherloc (09022015). Collection method: clinical testing. Allele origin: germline.
Comment: This sequence change creates a premature translational stop signal (p.Gln445*) in the PIGQ gene. It is expected to result in an absent or disrupted protein product. Loss-of-function variants in PIGQ are known to be pathogenic (PMID: 24463883, 25558065). This variant is present in population databases (no rsID available, gnomAD 0.01%). This variant has not been reported in the literature in individuals affected with PIGQ-related conditions. For these reasons, this variant has been classified as Pathogenic.

Literature cited by the submitters: PubMed 24463883; PubMed 25558065.

NM_004204.5(PIGQ):c.1333C>T (p.Gln445Ter)

Gene: PIGQ (phosphatidylinositol glycan anchor biosynthesis class Q; plus strand). Cytogenetic location: 16p13.3.
Variant type: single nucleotide variant.
Coding change: c.1333C>T on transcript NM_004204.5 (MANE Select); coding-DNA position 1333, C replaced by T.
Protein change: p.Gln445Ter; replaces glutamine 445 with a stop codon.
Molecular consequence: nonsense.
Genome position (GRCh38, 1-based): chr16:579,178, C>T. VCF-style: chr16-579178-C-T. GRCh37 (hg19) VCF-style: chr16-629178-C-T.
Other names: c.1333C>T, p.Gln445Ter (NM_148920.4); short protein forms Q445*.
Identifiers: ClinVar variation 3685725 (VCV003685725.2).